The following is an entry in ClinVar:

NM_004369.4(COL6A3):c.409C>T (p.Arg137Trp)

Gene: COL6A3 (collagen type VI alpha 3 chain; minus strand). Cytogenetic location: 2q37.3.
Variant type: single nucleotide variant.
Coding change: c.409C>T on transcript NM_004369.4 (MANE Select); coding-DNA position 409, C replaced by T.
Protein change: p.Arg137Trp; replaces arginine 137 with tryptophan.
Molecular consequence: missense variant. On other transcripts: intron variant (4).
Genome position (GRCh38, 1-based): chr2:237,394,887, G>A on the plus strand (C>T on the coding strand, the complement: COL6A3 is on the minus strand). VCF-style: chr2-237394887-G-A. GRCh37 (hg19) VCF-style: chr2-238303530-G-A.
Other names: c.91+1840C>T (NM_057166.5, NM_057167.4, NM_057164.5 and 1 more transcripts); short protein forms R137W.
Identifiers: ClinVar variation 451468 (VCV000451468.52), dbSNP rs143819673, ClinGen allele CA2189875.

ClinVar aggregate classification (germline): Conflicting classifications of pathogenicity. Review status: criteria provided, conflicting classifications (1 of 4 stars). 4 submissions from 4 submitters: Uncertain significance (3); Likely benign (1). Last evaluated 2025-08-12.

Conditions:
Bethlem myopathy 1A. Also called: MYOPATHY, BENIGN CONGENITAL, WITH CONTRACTURES; Bethlem myopathy 1; Bethlem Muscular Dystrophy. Identifiers: Orphanet 610, MedGen CN029274, MONDO:0024530, OMIM 158810.

Allele frequency attached by ClinVar (database versions not stated): gnomAD exomes 0.00001; ExAC 0.00002; TOPMed 0.00002; ESP Exome Variant Server 0.00015; 1000 Genomes Project 30x 0.00016; 1000 Genomes Project 0.00020.
gnomAD v4.1: 25 of 1,611,582 alleles (0.0016%); highest among the groups gnomAD compares: African/African-American, 0.011%; no homozygotes.

Submissions (4):

Labcorp Genetics (formerly Invitae), Labcorp
Classification: Likely benign for Bethlem myopathy 1A. Last evaluated: 2025-08-12. Review status: criteria provided, single submitter. Criteria: Invitae Variant Classification Sherloc (09022015). Collection method: clinical testing. Allele origin: germline.

CeGaT Center for Human Genetics Tuebingen
Classification: Uncertain significance. Last evaluated: 2025-06-01. Review status: criteria provided, single submitter. Criteria: CeGaT Center For Human Genetics Tuebingen Variant Classification Criteria Version 2. Collection method: clinical testing. Allele origin: germline. Affected: yes. Observed: 1 variant allele.
Comment: COL6A3: PM2

Revvity Omics, Revvity
Classification: Uncertain significance. Last evaluated: 2024-06-03. Review status: criteria provided, single submitter. Criteria: ACMG Guidelines, 2015. Collection method: clinical testing. Allele origin: germline.

GeneDx
Classification: Uncertain significance. Last evaluated: 2017-08-24. Review status: criteria provided, single submitter. Criteria: GeneDx Variant Classification (06012015). Collection method: clinical testing. Allele origin: germline. Affected: yes.
Comment: The R137W variant in the COL6A3 gene has not been reported previously as a pathogenic variant, nor as a benign variant, to our knowledge. The R137W variant is observed in 2/10402 (0.0019%) alleles from individuals of African background, in the ExAC dataset (Lek et al., 2016). The R137W variant is a non-conservative amino acid substitution, which is likely to impact secondary protein structure as these residues differ in polarity, charge, size and/or other properties. This substitution occurs at a position that is conserved across species. In silico analysis predicts this variant is probably damaging to the protein structure/function. We interpret R137W as a variant of uncertain significance.